The following is an entry in ClinVar:

NM_015215.4(CAMTA1):c.317C>G (p.Ser106Ter)

Gene: CAMTA1 (calmodulin binding transcription activator 1; plus strand). Cytogenetic location: 1p36.23.
Variant type: single nucleotide variant.
Coding change: c.317C>G on transcript NM_015215.4 (MANE Select); coding-DNA position 317, C replaced by G.
Protein change: p.Ser106Ter; replaces serine 106 with a stop codon.
Molecular consequence: nonsense.
Genome position (GRCh38, 1-based): chr1:7,249,505, C>G. VCF-style: chr1-7249505-C-G. GRCh37 (hg19) VCF-style: chr1-7309565-C-G.
Other names: c.227C>G, p.Ser76Ter (NM_001349608.2, NM_001349612.2); c.317C>G, p.Ser106Ter (NM_001349609.2, NM_001349610.2); short protein forms S106*, S76*.
Identifiers: ClinVar variation 450211 (VCV000450211.2), dbSNP rs1553288180, ClinGen allele CA338218554.

ClinVar aggregate classification (germline): Likely pathogenic (1 of 4 stars; one submission).

Submission:

GeneDx
Classification: Likely pathogenic. Last evaluated: 2017-07-13. Review status: criteria provided, single submitter. Criteria: GeneDx Variant Classification (06012015). Collection method: clinical testing. Allele origin: germline. Affected: yes.
Comment: The S106X variant in the CAMTA1 gene has not been reported previously as a pathogenic variant nor as a benign variant, to our knowledge. This variant is predicted to cause loss of normal protein function either through protein truncation or nonsense-mediated mRNA decay. The S106X variant is not observed in large population cohorts (Lek et al., 2016; 1000 Genomes Consortium et al., 2015; Exome Variant Server). We interpret S106X as a likely pathogenic variant.